The following is an entry in ClinVar:

ClinVar aggregate classification (germline): Uncertain significance (1 of 4 stars; one submission).

Conditions:
Primary ciliary dyskinesia. Also called: Ciliary dyskinesia. Identifiers: Orphanet 244, MedGen C0008780, MONDO:0016575, HP:0012265.

Submission:

Labcorp Genetics (formerly Invitae), Labcorp
Classification: Uncertain significance for Primary ciliary dyskinesia. Last evaluated: 2024-04-02. Review status: criteria provided, single submitter. Criteria: Invitae Variant Classification Sherloc (09022015). Collection method: clinical testing. Allele origin: germline.
Comment: This sequence change replaces lysine, which is basic and polar, with threonine, which is neutral and polar, at codon 2056 of the DNAH5 protein (p.Lys2056Thr). This variant is not present in population databases (gnomAD no frequency). This variant has not been reported in the literature in individuals affected with DNAH5-related conditions. Advanced modeling of protein sequence and biophysical properties (such as structural, functional, and spatial information, amino acid conservation, physicochemical variation, residue mobility, and thermodynamic stability) performed at Invitae indicates that this missense variant is not expected to disrupt DNAH5 protein function with a negative predictive value of 95%. In summary, the available evidence is currently insufficient to determine the role of this variant in disease. Therefore, it has been classified as a Variant of Uncertain Significance.

NM_001369.3(DNAH5):c.6167A>C (p.Lys2056Thr)

Gene: DNAH5 (dynein axonemal heavy chain 5; minus strand). Cytogenetic location: 5p15.2.
Variant type: single nucleotide variant.
Coding change: c.6167A>C on transcript NM_001369.3 (MANE Select); coding-DNA position 6167, A replaced by C.
Protein change: p.Lys2056Thr; replaces lysine 2056 with threonine.
Molecular consequence: missense variant.
Genome position (GRCh38, 1-based): chr5:13,830,108, T>G on the plus strand (A>C on the coding strand, the complement: DNAH5 is on the minus strand). VCF-style: chr5-13830108-T-G. GRCh37 (hg19) VCF-style: chr5-13830217-T-G.
Other names: short protein forms K2056T.
Identifiers: ClinVar variation 3707529 (VCV003707529.2).